The following is an entry in ClinVar:

NM_005045.4(RELN):c.8537C>T (p.Ala2846Val)

Genes: RELN (reelin; minus strand), SLC26A5-AS1 (SLC26A5 antisense RNA 1; plus strand). Cytogenetic location: 7q22.1.
Variant type: single nucleotide variant.
Coding change: c.8537C>T on transcript NM_005045.4 (MANE Select); coding-DNA position 8537, C replaced by T.
Protein change: p.Ala2846Val; replaces alanine 2846 with valine.
Molecular consequence: missense variant.
Genome position (GRCh38, 1-based): chr7:103,500,875, G>A on the plus strand (C>T on the coding strand, the complement: RELN is on the minus strand). VCF-style: chr7-103500875-G-A. GRCh37 (hg19) VCF-style: chr7-103141322-G-A.
Other names: c.8537C>T, p.Ala2846Val (NM_173054.3); short protein forms A2846V.
Identifiers: ClinVar variation 2948704 (VCV002948704.3), dbSNP rs2484709876, ClinGen allele CA368755903.

ClinVar aggregate classification (germline): Uncertain significance (1 of 4 stars; one submission).

Conditions:
Familial temporal lobe epilepsy 7. Identifiers: Orphanet 101046, MedGen C4225327, MONDO:0014639, OMIM 616436.
Norman-Roberts syndrome (LIS2). Also called: Lissencephaly 2 (Norman-Roberts type). Identifiers: Orphanet 89844, MedGen C0796089, MONDO:0009760, OMIM 257320.

Allele frequency attached by ClinVar (database versions not stated): gnomAD exomes 0.00001.
gnomAD v4.1: 8 of 1,614,056 alleles (0.0005%); highest among the groups gnomAD compares: Non-Finnish European, 0.00068%; no homozygotes.

Submission:

Labcorp Genetics (formerly Invitae), Labcorp
Classification: Uncertain significance for Familial temporal lobe epilepsy 7; Norman-Roberts syndrome. Last evaluated: 2023-12-02. Review status: criteria provided, single submitter. Criteria: Invitae Variant Classification Sherloc (09022015). Collection method: clinical testing. Allele origin: germline.
Comment: This sequence change replaces alanine, which is neutral and non-polar, with valine, which is neutral and non-polar, at codon 2846 of the RELN protein (p.Ala2846Val). This variant is not present in population databases (gnomAD no frequency). This variant has not been reported in the literature in individuals affected with RELN-related conditions. Advanced modeling of protein sequence and biophysical properties (such as structural, functional, and spatial information, amino acid conservation, physicochemical variation, residue mobility, and thermodynamic stability) performed at Invitae indicates that this missense variant is not expected to disrupt RELN protein function with a negative predictive value of 80%. In summary, the available evidence is currently insufficient to determine the role of this variant in disease. Therefore, it has been classified as a Variant of Uncertain Significance.